The following is an entry in ClinVar:

ClinVar aggregate classification (germline): Uncertain significance (1 of 4 stars; one submission).

Conditions:
Nemaline myopathy 2 (NEM2). Also called: Nemaline myopathy 2, autosomal recessive. Identifiers: MedGen C1850569, MONDO:0009725, OMIM 256030.

Allele frequency attached by ClinVar (database versions not stated): gnomAD exomes below 0.00001.
gnomAD v4.1: 1 of 1,612,542 alleles (0.000062%); highest among the groups gnomAD compares: Non-Finnish European, 0.000085%; no homozygotes.

Submission:

Labcorp Genetics (formerly Invitae), Labcorp
Classification: Uncertain significance for Nemaline myopathy 2. Last evaluated: 2020-05-03. Review status: criteria provided, single submitter. Criteria: Invitae Variant Classification Sherloc (09022015). Collection method: clinical testing. Allele origin: germline.
Comment: This sequence change replaces alanine with threonine at codon 1075 of the NEB protein (p.Ala1075Thr). The alanine residue is moderately conserved and there is a small physicochemical difference between alanine and threonine. This variant is not present in population databases (ExAC no frequency). This variant has not been reported in the literature in individuals with NEB-related conditions. Algorithms developed to predict the effect of missense changes on protein structure and function are either unavailable or do not agree on the potential impact of this missense change (SIFT: "Deleterious"; PolyPhen-2: "Not Available"; Align-GVGD: "Class C0"). In summary, the available evidence is currently insufficient to determine the role of this variant in disease. Therefore, it has been classified as a Variant of Uncertain Significance.

NM_001164508.2(NEB):c.3223G>A (p.Ala1075Thr)

Gene: NEB (nebulin; minus strand). Cytogenetic location: 2q23.3.
Variant type: single nucleotide variant.
Coding change: c.3223G>A on transcript NM_001164508.2 (MANE Select); coding-DNA position 3223, G replaced by A.
Protein change: p.Ala1075Thr; replaces alanine 1075 with threonine.
Molecular consequence: missense variant.
Genome position (GRCh38, 1-based): chr2:151,679,753, C>T on the plus strand (G>A on the coding strand, the complement: NEB is on the minus strand). VCF-style: chr2-151679753-C-T. GRCh37 (hg19) VCF-style: chr2-152536267-C-T.
Other names: c.3223G>A, p.Ala1075Thr (NM_001164507.2, NM_001271208.2, NM_004543.5); short protein forms A1075T.
Identifiers: ClinVar variation 1955582 (VCV001955582.2), dbSNP rs1419990487, ClinGen allele CA348820038.